The following is an entry in ClinVar:

NM_000301.5(PLG):c.1481C>T (p.Ala494Val)

Gene: PLG (plasminogen; plus strand). Cytogenetic location: 6q26.
Variant type: single nucleotide variant.
Coding change: c.1481C>T on transcript NM_000301.5 (MANE Select); coding-DNA position 1481, C replaced by T.
Protein change: p.Ala494Val; replaces alanine 494 with valine.
Molecular consequence: missense variant.
Genome position (GRCh38, 1-based): chr6:160,731,787, C>T. VCF-style: chr6-160731787-C-T. GRCh37 (hg19) VCF-style: chr6-161152819-C-T.
Other names: short protein forms A494V.
Identifiers: ClinVar variation 692204 (VCV000692204.37), dbSNP rs4252128, ClinGen allele CA4087801.
Genomic context (GRCh38, chr6:160,731,787, plus strand): 5'-CATTTTTTCCCTGTACAGACTGTATGTTTGGGAATGGGAAAGGATACCGAGGCAAGAGGG[C>T]GACCACTGTTACTGGGACGCCATGCCAGGACTGGGCTGCCCAGGAGCCCCATAGACACAG-3'
Protein context (NP_000292.1, residues 484-504): GNGKGYRGKR[Ala494Val]TTVTGTPCQD

ClinVar aggregate classification (germline): Benign/Likely benign. Review status: criteria provided, multiple submitters, no conflicts (2 of 4 stars). 5 submissions from 5 submitters: Benign (3); Likely benign (1). 1 of the submissions does not count toward it. Last evaluated 2026-07-01.

Conditions:
Otitis media, susceptibility to (OMS). Also called: OTITIS MEDIA, CHRONIC/RECURRENT; COME/ROM. Identifiers: MedGen C1833692, MONDO:0008162, OMIM 166760.

Allele frequency attached by ClinVar (database versions not stated): ESP Exome Variant Server 0.00853; 1000 Genomes Project 0.00899; 1000 Genomes Project 30x 0.01031; TOPMed 0.01209.
gnomAD v4.1: 8,462 of 1,613,724 alleles (0.52%); highest among the groups gnomAD compares: Middle Eastern, 2.8%; 121 homozygotes.

Submissions (8):

CeGaT Center for Human Genetics Tuebingen
Classification: Benign. Last evaluated: 2026-07-01. Review status: criteria provided, single submitter. Criteria: CeGaT Center For Human Genetics Tuebingen Variant Classification Criteria Version 2. Collection method: clinical testing. Allele origin: germline. Affected: yes. Observed: 8 variant alleles.
Comment: PLG: BP4, BS1, BS2

Labcorp Genetics (formerly Invitae), Labcorp
Classification: Benign. Last evaluated: 2026-02-04. Review status: criteria provided, single submitter. Criteria: Invitae Variant Classification Sherloc (09022015). Collection method: clinical testing. Allele origin: germline.

Blueprint Genetics
Classification: Likely benign. Last evaluated: 2024-11-25. Review status: criteria provided, single submitter. Criteria: ACMG Guidelines, 2015. Collection method: clinical testing. Allele origin: germline.

Mayo Clinic Laboratories, Mayo Clinic
Classification: Benign. Last evaluated: 2018-10-25. Review status: criteria provided, single submitter. Criteria: ACMG Guidelines, 2015. Collection method: clinical testing. Allele origin: germline. Observed: 25 variant alleles.

Santos-Cortez Lab, University of Colorado School of Medicine
Classification: Uncertain significance for Otitis media, susceptibility to. Last evaluated: 2019-07-26. Review status: no assertion criteria provided. Collection method: research. Allele origin: germline. Affected: yes. Not counted in ClinVar's aggregate classification.

Dr. Peter K. Rogan Lab, Western University
No classification provided (evidence only). Condition: Uterine corpus endometrial carcinoma. Review status: no classification provided. Collection method: in vitro. Allele origin: not applicable. Functional consequence: retained intron. Not counted in ClinVar's aggregate classification.

Dr. Peter K. Rogan Lab, Western University
No classification provided (evidence only). Condition: Hepatocellular carcinoma. Review status: no classification provided. Collection method: in vitro. Allele origin: not applicable. Functional consequence: skipped exon. Not counted in ClinVar's aggregate classification.

Dr. Peter K. Rogan Lab, Western University
No classification provided (evidence only). Condition: Nonpapillary renal cell carcinoma. Review status: no classification provided. Collection method: in vitro. Allele origin: not applicable. Functional consequence: retained intron. Not counted in ClinVar's aggregate classification.